The following is an entry in ClinVar:

ClinVar aggregate classification (germline): Uncertain significance (1 of 4 stars; one submission).

Conditions:
ARID1B-Related Disorder. Identifiers: MedGen CN381337.

Allele frequency attached by ClinVar (database versions not stated): gnomAD exomes below 0.00001.
gnomAD v4.1: 1 of 1,225,258 alleles (0.000082%); highest among the groups gnomAD compares: African/African-American, 0.0016%; no homozygotes.

Submission:

PreventionGenetics, part of Exact Sciences
Classification: Uncertain significance for ARID1B-related condition. Last evaluated: 2023-09-18. Review status: criteria provided, single submitter. Criteria: ACMG Guidelines, 2015. Collection method: clinical testing. Allele origin: germline.
Comment: The ARID1B c.1142G>A variant is predicted to result in the amino acid substitution p.Gly381Asp. To our knowledge, this variant has not been reported in the literature or in a large population database, indicating this variant is rare. At this time, the clinical significance of this variant is uncertain due to the absence of conclusive functional and genetic evidence.

NM_001374828.1(ARID1B):c.1391G>A (p.Gly464Asp)

Gene: ARID1B (AT-rich interaction domain 1B; plus strand). Cytogenetic location: 6q25.3.
Variant type: single nucleotide variant.
Coding change: c.1391G>A on transcript NM_001374828.1 (MANE Select); coding-DNA position 1391, G replaced by A.
Protein change: p.Gly464Asp; replaces glycine 464 with aspartic acid.
Molecular consequence: missense variant.
Genome position (GRCh38, 1-based): chr6:156,779,071, G>A. VCF-style: chr6-156779071-G-A. GRCh37 (hg19) VCF-style: chr6-157100205-G-A.
Other names: c.1142G>A, p.Gly381Asp (NM_001346813.1, NM_020732.3); c.1391G>A, p.Gly464Asp (NM_001371656.1, NM_001374820.1, NM_017519.3); c.968G>A, p.Gly323Asp (NM_175863.2); short protein forms G323D, G381D, G464D.
Identifiers: ClinVar variation 2632554 (VCV002632554.1), dbSNP rs2546839300, ClinGen allele CA366384227.